The following is an entry in ClinVar:

ClinVar aggregate classification (germline): Likely pathogenic (1 of 4 stars; one submission).

Submission:

GeneDx
Classification: Likely pathogenic. Last evaluated: 2018-10-25. Review status: criteria provided, single submitter. Criteria: GeneDx Variant Classification (06012015). Collection method: clinical testing. Allele origin: germline. Affected: yes.
Comment: A variant that is likely pathogenic has been identified in the DEPDC5 gene. The c.944_945delAT variant has not been published as a pathogenic variant, nor has it been reported as a benign variant to our knowledge. The c.944_945delAT variant is not observed in large population cohorts (Lek et al., 2016). The c.944_945delAT variant in the DEPDC5 gene causes a frameshift starting with codon Asparagine 315, changes this amino acid to a Serine residue and creates a premature Stop codon at position 3 of the new reading frame, denoted p.Asn315SerfsX3. This variant is predicted to cause loss of normal protein function either through protein truncation or nonsense-mediated mRNA decay. Therefore, this variant is likely pathogenic; however, the possibility that it is benign cannot be excluded.

NM_001242896.3(DEPDC5):c.944_945del (p.Asn315fs)

Gene: DEPDC5 (DEP domain containing 5, GATOR1 subcomplex subunit; plus strand). Cytogenetic location: 22q12.2.
Variant type: Deletion.
Coding change: c.944_945del on transcript NM_001242896.3 (MANE Select); coding-DNA positions 944 to 945, 2 bases deleted (AT; older notation c.944_945delAT).
Protein change: p.Asn315fs; shifts the reading frame from asparagine 315.
Molecular consequence: frameshift variant. On other transcripts: non-coding transcript variant (5).
Genome position (GRCh38, 1-based): chr22:31,798,654-31,798,655, AT deleted. VCF-style (leftmost placement, unchanged base first): chr22-31798653-AAT-A. GRCh37 (hg19) VCF-style: chr22-32194639-AAT-A.
Other names: c.944_945del, p.Asn315fs (NM_001007188.4, NM_001136029.4, NM_001242897.2 and 7 more transcripts); c.860_861del, p.Asn287fs (NM_001369901.1, NM_001369902.1); short protein forms N315fs, N287fs.
Identifiers: ClinVar variation 817304 (VCV000817304.1), dbSNP rs1601935630, ClinGen allele CA915952306.
Genomic context (GRCh38, chr22:31,798,653, plus strand): 5'-CAAGGAGATAATTCTACCTCAGCACAAGGAAACTACCTGGAGGCCATCAATCTGTCATTC[AAT>A]GGTGAGTAAGGATGCCGGCCATGAGCCAGCATCTTGCCTACCACATGGCTATGTTACCGG-3'